The following is an entry in ClinVar:

ClinVar aggregate classification (germline): Uncertain significance. Review status: criteria provided, multiple submitters, no conflicts (2 of 4 stars). 2 submissions from 2 submitters: Uncertain significance (2). Last evaluated 2023-04-17.

Conditions:
RASopathy. Also called: rasopathies; Noonan spectrum disorder. Identifiers: Orphanet 536391, MedGen C5555857, MONDO:0021060.

Allele frequency attached by ClinVar (database versions not stated): gnomAD exomes below 0.00001; ExAC 0.00001.
gnomAD v4.1: 2 of 1,614,128 alleles (0.00012%); highest among the groups gnomAD compares: Admixed American, 0.0017%; no homozygotes.

Submissions (2):

Labcorp Genetics (formerly Invitae), Labcorp
Classification: Uncertain significance for RASopathy. Last evaluated: 2023-04-17. Review status: criteria provided, single submitter. Criteria: Invitae Variant Classification Sherloc (09022015). Collection method: clinical testing. Allele origin: germline.
Comment: In summary, the available evidence is currently insufficient to determine the role of this variant in disease. Therefore, it has been classified as a Variant of Uncertain Significance. Advanced modeling of protein sequence and biophysical properties (such as structural, functional, and spatial information, amino acid conservation, physicochemical variation, residue mobility, and thermodynamic stability) performed at Invitae indicates that this missense variant is not expected to disrupt MAP2K1 protein function. ClinVar contains an entry for this variant (Variation ID: 996232). This variant has not been reported in the literature in individuals affected with MAP2K1-related conditions. This variant is present in population databases (rs762436311, gnomAD 0.003%). This sequence change replaces lysine, which is basic and polar, with glutamine, which is neutral and polar, at codon 324 of the MAP2K1 protein (p.Lys324Gln).

Women's Health and Genetics/Laboratory Corporation of America, LabCorp
Classification: Uncertain significance. Last evaluated: 2022-07-11. Review status: criteria provided, single submitter. Criteria: LabCorp Variant Classification Summary - May 2015. Collection method: clinical testing. Allele origin: germline.
Comment: Variant summary: MAP2K1 c.970A>C (p.Lys324Gln) results in a conservative amino acid change located in the Protein kinase domain (IPR000719) of the encoded protein sequence. Three of five in-silico tools predict a benign effect of the variant on protein function. The variant allele was found at a frequency of 4e-06 in 251486 control chromosomes. The available data on variant occurrences in the general population are insufficient to allow any conclusion about variant significance. To our knowledge, no occurrence of c.970A>C in individuals affected with Cardiofaciocutaneous Syndrome and no experimental evidence demonstrating its impact on protein function have been reported. No clinical diagnostic laboratories have submitted clinical-significance assessments for this variant to ClinVar after 2014. Based on the evidence outlined above, the variant was classified as uncertain significance.

NM_002755.4(MAP2K1):c.970A>C (p.Lys324Gln)

Gene: MAP2K1 (mitogen-activated protein kinase kinase 1; plus strand). Cytogenetic location: 15q22.31.
Variant type: single nucleotide variant.
Coding change: c.970A>C on transcript NM_002755.4 (MANE Select); coding-DNA position 970, A replaced by C.
Protein change: p.Lys324Gln; replaces lysine 324 with glutamine.
Molecular consequence: missense variant.
Genome position (GRCh38, 1-based): chr15:66,489,224, A>C. VCF-style: chr15-66489224-A-C. GRCh37 (hg19) VCF-style: chr15-66781562-A-C.
Other names: short protein forms K324Q.
Identifiers: ClinVar variation 996232 (VCV000996232.6), dbSNP rs762436311, ClinGen allele CA7624069.